The following is an entry in ClinVar:

NM_014317.5(PDSS1):c.1183C>T (p.Arg395Ter)

Gene: PDSS1 (decaprenyl diphosphate synthase subunit 1; plus strand). Cytogenetic location: 10p12.1.
Variant type: single nucleotide variant.
Coding change: c.1183C>T on transcript NM_014317.5 (MANE Select); coding-DNA position 1183, C replaced by T.
Protein change: p.Arg395Ter; replaces arginine 395 with a stop codon.
Molecular consequence: nonsense. On other transcripts: 3 prime UTR variant (1).
Genome position (GRCh38, 1-based): chr10:26,746,408, C>T. VCF-style: chr10-26746408-C-T. GRCh37 (hg19) VCF-style: chr10-27035337-C-T.
Other names: c.*71C>T (NM_001321978.2); c.673C>T, p.Arg225Ter (NM_001321979.2); short protein forms R395*, R225*.
Identifiers: ClinVar variation 1902826 (VCV001902826.3), dbSNP rs975467562, ClinGen allele CA204414847.

ClinVar aggregate classification (germline): Uncertain significance. Review status: criteria provided, single submitter (1 of 4 stars). 2 submissions from 2 submitters: Uncertain significance (1). 1 of the submissions does not count toward it. Last evaluated 2022-03-14.

Conditions:
Deafness-encephaloneuropathy-obesity-valvulopathy syndrome. Identifiers: Orphanet 254898, MedGen C3553354, MONDO:0013837, OMIM 614651.

Allele frequency attached by ClinVar (database versions not stated): TOPMed below 0.00001.
gnomAD v4.1: 6 of 1,614,024 alleles (0.00037%); highest among the groups gnomAD compares: African/African-American, 0.0027%; no homozygotes.

Submissions (2):

Labcorp Genetics (formerly Invitae), Labcorp
Classification: Uncertain significance. Last evaluated: 2022-03-14. Review status: criteria provided, single submitter. Criteria: Invitae Variant Classification Sherloc (09022015). Collection method: clinical testing. Allele origin: germline.
Comment: This sequence change creates a premature translational stop signal (p.Arg395*) in the PDSS1 gene. While this is not anticipated to result in nonsense mediated decay, it is expected to disrupt the last 21 amino acid(s) of the PDSS1 protein. This variant is present in population databases (no rsID available, gnomAD 0.003%). This premature translational stop signal has been observed in individual(s) with coenzyme Q10 deficiency (PMID: 31683770). Experimental studies and prediction algorithms are not available or were not evaluated, and the functional significance of this variant is currently unknown. In summary, the available evidence is currently insufficient to determine the role of this variant in disease. Therefore, it has been classified as a Variant of Uncertain Significance.

OMIM
Classification: Pathogenic for COENZYME Q10 DEFICIENCY, PRIMARY, 2. Last evaluated: 2023-04-18. Review status: no assertion criteria provided. Collection method: literature only. Allele origin: germline. Not counted in ClinVar's aggregate classification.

Literature cited by the submitters: PubMed 31683770 (cited by Labcorp Genetics (formerly Invitae), Labcorp); PubMed 34765390 (cited by OMIM).